The following is an entry in ClinVar:

NM_004369.4(COL6A3):c.4160A>G (p.Tyr1387Cys)

Gene: COL6A3 (collagen type VI alpha 3 chain; minus strand). Cytogenetic location: 2q37.3.
Variant type: single nucleotide variant.
Coding change: c.4160A>G on transcript NM_004369.4 (MANE Select); coding-DNA position 4160, A replaced by G.
Protein change: p.Tyr1387Cys; replaces tyrosine 1387 with cysteine.
Molecular consequence: missense variant.
Genome position (GRCh38, 1-based): chr2:237,371,857, T>C on the plus strand (A>G on the coding strand, the complement: COL6A3 is on the minus strand). VCF-style: chr2-237371857-T-C. GRCh37 (hg19) VCF-style: chr2-238280500-T-C.
Other names: c.2939A>G, p.Tyr980Cys (NM_057164.5); c.3542A>G, p.Tyr1181Cys (NM_057165.5, NM_057167.4); c.2339A>G, p.Tyr780Cys (NM_057166.5); short protein forms Y1181C, Y1387C, Y780C, Y980C.
Identifiers: ClinVar variation 4232406 (VCV004232406.2).

ClinVar aggregate classification (germline): Uncertain significance. Review status: criteria provided, multiple submitters, no conflicts (2 of 4 stars). 2 submissions from 2 submitters: Uncertain significance (2). Last evaluated 2025-06-22.

Conditions:
Bethlem myopathy 1A. Also called: MYOPATHY, BENIGN CONGENITAL, WITH CONTRACTURES; Bethlem Muscular Dystrophy; Bethlem myopathy 1. Identifiers: Orphanet 610, MedGen CN029274, MONDO:0024530, OMIM 158810.
Inborn genetic diseases. Identifiers: MedGen C0950123, MeSH D030342.

gnomAD v4.1: 3 of 1,597,902 alleles (0.00019%); highest among the groups gnomAD compares: East Asian, 0.0023%; no homozygotes.

Submissions (2):

Ambry Genetics
Classification: Uncertain significance for Inborn genetic diseases. Last evaluated: 2025-06-22. Review status: criteria provided, single submitter. Criteria: Ambry Variant Classification Scheme 2023. Collection method: clinical testing. Allele origin: germline.

Labcorp Genetics (formerly Invitae), Labcorp
Classification: Uncertain significance for Bethlem myopathy 1A. Last evaluated: 2025-04-29. Review status: criteria provided, single submitter. Criteria: Invitae Variant Classification Sherloc (09022015). Collection method: clinical testing. Allele origin: germline.
Comment: This sequence change replaces tyrosine, which is neutral and polar, with cysteine, which is neutral and slightly polar, at codon 1387 of the COL6A3 protein (p.Tyr1387Cys). This variant is present in population databases (rs759080481, gnomAD 0.0009%). This variant has not been reported in the literature in individuals affected with COL6A3-related conditions. Invitae Evidence Modeling of protein sequence and biophysical properties (such as structural, functional, and spatial information, amino acid conservation, physicochemical variation, residue mobility, and thermodynamic stability) has been performed for this missense variant. However, the output from this modeling did not meet the statistical confidence thresholds required to predict the impact of this variant on COL6A3 protein function. In summary, the available evidence is currently insufficient to determine the role of this variant in disease. Therefore, it has been classified as a Variant of Uncertain Significance.